The following is an entry in ClinVar:

NM_006158.5(NEFL):c.1156A>G (p.Ile386Val)

Genes: NEFL (neurofilament light chain; minus strand), LOC126860330 (BRD4-independent group 4 enhancer GRCh37_chr8:24811677-24812876; plus strand). Cytogenetic location: 8p21.2.
Variant type: single nucleotide variant.
Coding change: c.1156A>G on transcript NM_006158.5 (MANE Select); coding-DNA position 1156, A replaced by G.
Protein change: p.Ile386Val; replaces isoleucine 386 with valine.
Molecular consequence: missense variant.
Genome position (GRCh38, 1-based): chr8:24,954,194, T>C on the plus strand (A>G on the coding strand, the complement: NEFL is on the minus strand). VCF-style: chr8-24954194-T-C. GRCh37 (hg19) VCF-style: chr8-24811708-T-C.
Other names: short protein forms I386V.
Identifiers: ClinVar variation 2754954 (VCV002754954.3), dbSNP rs2486883051, ClinGen allele CA370620785.

ClinVar aggregate classification (germline): Uncertain significance (1 of 4 stars; one submission).

Conditions:
Charcot-Marie-Tooth disease type 2E (CMT2E). Also called: CHARCOT-MARIE-TOOTH DISEASE, AXONAL, TYPE 2E; CHARCOT-MARIE-TOOTH NEUROPATHY, TYPE 2E. Identifiers: Orphanet 99939, MedGen C1843225, MONDO:0011894, OMIM 607684.

Submission:

Labcorp Genetics (formerly Invitae), Labcorp
Classification: Uncertain significance for Charcot-Marie-Tooth disease type 2E. Last evaluated: 2023-08-24. Review status: criteria provided, single submitter. Criteria: Invitae Variant Classification Sherloc (09022015). Collection method: clinical testing. Allele origin: germline.
Comment: This variant is not present in population databases (gnomAD no frequency). In summary, the available evidence is currently insufficient to determine the role of this variant in disease. Therefore, it has been classified as a Variant of Uncertain Significance. Advanced modeling of protein sequence and biophysical properties (such as structural, functional, and spatial information, amino acid conservation, physicochemical variation, residue mobility, and thermodynamic stability) performed at Invitae indicates that this missense variant is expected to disrupt NEFL protein function. This variant has not been reported in the literature in individuals affected with NEFL-related conditions. This sequence change replaces isoleucine, which is neutral and non-polar, with valine, which is neutral and non-polar, at codon 386 of the NEFL protein (p.Ile386Val).